The following is an entry in ClinVar:

NM_172107.4(KCNQ2):c.817-3C>T

Gene: KCNQ2 (potassium voltage-gated channel subfamily Q member 2; minus strand). Cytogenetic location: 20q13.33.
Variant type: single nucleotide variant.
Coding change: c.817-3C>T on transcript NM_172107.4 (MANE Select); 3 bases into the intron before coding-DNA position 817, C replaced by T.
Molecular consequence: intron variant.
Genome position (GRCh38, 1-based): chr20:63,439,711, G>A on the plus strand (C>T on the coding strand, the complement: KCNQ2 is on the minus strand). VCF-style: chr20-63439711-G-A. GRCh37 (hg19) VCF-style: chr20-62071064-G-A.
Other names: c.817-3C>T (NM_004518.6, NM_172108.5, NM_172106.3 and 2 more transcripts).
Identifiers: ClinVar variation 968376 (VCV000968376.10), dbSNP rs2081103894, ClinGen allele CA409652791.

ClinVar aggregate classification (germline): Uncertain significance (1 of 4 stars; one submission).

Conditions:
Early-infantile DEE. Also called: Ohtahara syndrome; Early infantile epileptic encephalopathy with suppression bursts; Early infantile epileptic encephalopathy. Identifiers: Orphanet 1934, MedGen C0393706, MONDO:0800491.

Allele frequency attached by ClinVar (database versions not stated): gnomAD exomes below 0.00001.
gnomAD v4.1: 1 of 1,607,102 alleles (0.000062%); highest among the groups gnomAD compares: African/African-American, 0.0013%; no homozygotes.

Submission:

Labcorp Genetics (formerly Invitae), Labcorp
Classification: Uncertain significance for Early-infantile DEE. Last evaluated: 2022-03-23. Review status: criteria provided, single submitter. Criteria: Invitae Variant Classification Sherloc (09022015). Collection method: clinical testing. Allele origin: germline.
Comment: In summary, the available evidence is currently insufficient to determine the role of this variant in disease. Therefore, it has been classified as a Variant of Uncertain Significance. Variants that disrupt the consensus splice site are a relatively common cause of aberrant splicing (PMID: 17576681, 9536098). Algorithms developed to predict the effect of sequence changes on RNA splicing suggest that this variant is not likely to affect RNA splicing. ClinVar contains an entry for this variant (Variation ID: 968376). This variant has not been reported in the literature in individuals affected with KCNQ2-related conditions. This variant is not present in population databases (gnomAD no frequency). This sequence change falls in intron 5 of the KCNQ2 gene. It does not directly change the encoded amino acid sequence of the KCNQ2 protein. It affects a nucleotide within the consensus splice site.

Literature cited by the submitters: PubMed 17576681; PubMed 9536098.